The following is an entry in ClinVar:

ClinVar aggregate classification (germline): Likely pathogenic (1 of 4 stars; one submission).

Conditions:
Retinitis pigmentosa 39 (RP39). Identifiers: Orphanet 791, MedGen C3151138, MONDO:0013436, OMIM 613809.
Usher syndrome type 2A. Also called: USHER SYNDROME, TYPE IIA; RETINAL DISEASE IN USHER SYNDROME TYPE IIA, MODIFIER OF. Identifiers: Orphanet 231178, Orphanet 886, MedGen C1848634, MONDO:0010169, OMIM 276901.

Submission:

Juno Genomics, Hangzhou Juno Genomics, Inc
Classification: Likely pathogenic for Retinitis pigmentosa 39; Usher syndrome type 2A. Review status: criteria provided, single submitter. Criteria: ACMG Guidelines, 2015. Collection method: clinical testing. Allele origin: germline.
Comment: Null variant in a gene where loss of function (LOF) is a known mechanism of disease.;Absent from controls (or at extremely low frequency if recessive) in Genome Aggregation Database.

NM_206933.4(USH2A):c.9484del (p.Asp3162fs)

Gene: USH2A (usherin; minus strand). Cytogenetic location: 1q41.
Variant type: Deletion.
Coding change: c.9484del on transcript NM_206933.4 (MANE Select); coding-DNA position 9484, one base deleted (G; older notation c.9484delG).
Protein change: p.Asp3162fs; shifts the reading frame from aspartic acid 3162.
Molecular consequence: frameshift variant.
Genome position (GRCh38, 1-based): chr1:215,817,083, C deleted on the plus strand (G on the coding strand, the reverse complement: USH2A is on the minus strand); the first of 2 consecutive C bases (chr1:215,817,083-215,817,084); deleting either gives the same sequence. VCF-style (leftmost placement, unchanged base first): chr1-215817082-TC-T. GRCh37 (hg19) VCF-style: chr1-215990424-TC-T.
Other names: short protein forms D3162fs.
Identifiers: ClinVar variation 5005930 (VCV005005930.2).